The following is an entry in ClinVar:

ClinVar aggregate classification (germline): Uncertain significance (1 of 4 stars; one submission).

Conditions:
Spastic paraplegia. Identifiers: MedGen C0037772, HP:0001258.

Allele frequency attached by ClinVar (database versions not stated): gnomAD exomes below 0.00001 and 0.00001; gnomAD 0.00001; TOPMed 0.00001; ExAC 0.00002; ESP Exome Variant Server 0.00008.
gnomAD v4.1: 4 of 1,613,876 alleles (0.00025%); highest among the groups gnomAD compares: Non-Finnish European, 0.00034%; no homozygotes.

Submission:

Labcorp Genetics (formerly Invitae), Labcorp
Classification: Uncertain significance for Spastic paraplegia. Last evaluated: 2022-08-22. Review status: criteria provided, single submitter. Criteria: Invitae Variant Classification Sherloc (09022015). Collection method: clinical testing. Allele origin: germline.
Comment: This variant is present in population databases (rs376180814, gnomAD 0.002%). In summary, the available evidence is currently insufficient to determine the role of this variant in disease. Therefore, it has been classified as a Variant of Uncertain Significance. Advanced modeling of protein sequence and biophysical properties (such as structural, functional, and spatial information, amino acid conservation, physicochemical variation, residue mobility, and thermodynamic stability) performed at Invitae indicates that this missense variant is not expected to disrupt FA2H protein function. ClinVar contains an entry for this variant (Variation ID: 1398309). This variant has not been reported in the literature in individuals affected with FA2H-related conditions. This sequence change replaces phenylalanine, which is neutral and non-polar, with leucine, which is neutral and non-polar, at codon 224 of the FA2H protein (p.Phe224Leu).

NM_024306.5(FA2H):c.672C>A (p.Phe224Leu)

Gene: FA2H (fatty acid 2-hydroxylase; minus strand). Cytogenetic location: 16q23.1.
Variant type: single nucleotide variant.
Coding change: c.672C>A on transcript NM_024306.5 (MANE Select); coding-DNA position 672, C replaced by A.
Protein change: p.Phe224Leu; replaces phenylalanine 224 with leucine.
Molecular consequence: missense variant.
Genome position (GRCh38, 1-based): chr16:74,719,102, G>T on the plus strand (C>A on the coding strand, the complement: FA2H is on the minus strand). VCF-style: chr16-74719102-G-T. GRCh37 (hg19) VCF-style: chr16-74753000-G-T.
Other names: short protein forms F224L.
Identifiers: ClinVar variation 1398309 (VCV001398309.4), dbSNP rs376180814, ClinGen allele CA8170438.